The following is an entry in ClinVar:

ClinVar aggregate classification (germline): Uncertain significance (1 of 4 stars; one submission).

Conditions:
Retinoblastoma (RB1). Also called: RETINOBLASTOMA, SOMATIC. Identifiers: Orphanet 790, MedGen C0035335, MeSH D012175, MONDO:0008380, OMIM 180200, HP:0009919. Disease mechanism: loss of function. Inheritance: Both sporadic and heritable forms are tested..

Submission:

Labcorp Genetics (formerly Invitae), Labcorp
Classification: Uncertain significance for Retinoblastoma. Last evaluated: 2025-11-24. Review status: criteria provided, single submitter. Criteria: Invitae Variant Classification Sherloc (09022015). Collection method: clinical testing. Allele origin: germline.
Comment: This sequence change replaces leucine, which is neutral and non-polar, with phenylalanine, which is neutral and non-polar, at codon 60 of the RB1 protein (p.Leu60Phe). This variant is not present in population databases (gnomAD no frequency). This variant has not been reported in the literature in individuals affected with RB1-related conditions. ClinVar contains an entry for this variant (Variation ID: 1446776). Invitae Evidence Modeling of protein sequence and biophysical properties (such as structural, functional, and spatial information, amino acid conservation, physicochemical variation, residue mobility, and thermodynamic stability) indicates that this missense variant is not expected to disrupt RB1 protein function with a negative predictive value of 80%. In summary, the available evidence is currently insufficient to determine the role of this variant in disease. Therefore, it has been classified as a Variant of Uncertain Significance.

NM_000321.3(RB1):c.180A>C (p.Leu60Phe)

Gene: RB1 (RB transcriptional corepressor 1; plus strand). Cytogenetic location: 13q14.2.
Variant type: single nucleotide variant.
Coding change: c.180A>C on transcript NM_000321.3 (MANE Select); coding-DNA position 180, A replaced by C.
Protein change: p.Leu60Phe; replaces leucine 60 with phenylalanine.
Molecular consequence: missense variant.
Genome position (GRCh38, 1-based): chr13:48,307,322, A>C. VCF-style: chr13-48307322-A-C. GRCh37 (hg19) VCF-style: chr13-48881458-A-C.
Other names: short protein forms L60F.
Identifiers: ClinVar variation 1446776 (VCV001446776.6), dbSNP rs878853948, ClinGen allele CA388250513.
Genomic context (GRCh38, chr13:48,307,322, plus strand): 5'-ATTATTTTCATTTGGTAGGCTTGAGTTTGAAGAAACAGAAGAACCTGATTTTACTGCATT[A>C]TGTCAGAAATTAAAGATACCAGATCATGTCAGAGAGAGAGCTTGGTTAACTTGGGAGAAA-3'
Protein context (NP_000312.2, residues 50-70): EETEEPDFTA[Leu60Phe]CQKLKIPDHV